The following is an entry in ClinVar:

ClinVar aggregate classification (germline): Conflicting classifications of pathogenicity. Review status: criteria provided, conflicting classifications (1 of 4 stars). 2 submissions from 2 submitters: Uncertain significance (1); Likely benign (1). Last evaluated 2024-11-15.

Conditions:
Inborn genetic diseases. Identifiers: MedGen C0950123, MeSH D030342.

Allele frequency attached by ClinVar (database versions not stated): gnomAD exomes 0.00008; 1000 Genomes Project 30x 0.00031; ExAC 0.00007; TOPMed 0.00010; ESP Exome Variant Server 0.00015; gnomAD 0.00022; 1000 Genomes Project 0.00020.
gnomAD v4.1: 154 of 1,614,126 alleles (0.0095%); highest among the groups gnomAD compares: Admixed American, 0.043%; no homozygotes.

Submissions (2):

GeneDx
Classification: Uncertain significance. Last evaluated: 2024-11-15. Review status: criteria provided, single submitter. Criteria: GeneDx Variant Classification Process June 2021. Collection method: clinical testing. Allele origin: germline.
Comment: In silico analysis supports that this missense variant has a deleterious effect on protein structure/function; Has not been previously published as pathogenic or benign to our knowledge

Ambry Genetics
Classification: Likely benign for Inborn genetic diseases. Last evaluated: 2021-07-15. Review status: criteria provided, single submitter. Criteria: Ambry Variant Classification Scheme 2023. Collection method: clinical testing. Allele origin: germline.

NM_001005388.3(NFASC):c.1543C>T (p.Arg515Cys)

Gene: NFASC (neurofascin; plus strand). Cytogenetic location: 1q32.1.
Variant type: single nucleotide variant.
Coding change: c.1543C>T on transcript NM_001005388.3 (MANE Select); coding-DNA position 1543, C replaced by T.
Protein change: p.Arg515Cys; replaces arginine 515 with cysteine.
Molecular consequence: missense variant. On other transcripts: non-coding transcript variant (1).
Genome position (GRCh38, 1-based): chr1:204,974,808, C>T. VCF-style: chr1-204974808-C-T. GRCh37 (hg19) VCF-style: chr1-204943936-C-T.
Other names: c.1543C>T (NM_001005388.2); c.1543C>T, p.Arg515Cys (NM_001005389.2, NM_001378329.1); c.1576C>T, p.Arg526Cys (NM_001160331.2, NM_001160332.2, NM_001365986.1 and 3 more transcripts); c.1525C>T, p.Arg509Cys (NM_001160333.2); short protein forms R509C, R526C, R515C.
Identifiers: ClinVar variation 1810474 (VCV001810474.3), dbSNP rs149731085, ClinGen allele CA1349963.